The following is an entry in ClinVar:

NM_198506.5(LRIT3):c.3G>A (p.Met1Ile)

Gene: LRIT3 (leucine rich repeat, Ig-like and transmembrane domains 3; plus strand). Cytogenetic location: 4q25.
Variant type: single nucleotide variant.
Coding change: c.3G>A on transcript NM_198506.5 (MANE Select); coding-DNA position 3, G replaced by A.
Protein change: p.Met1Ile; changes the start codon (methionine 1).
Molecular consequence: missense variant, initiator codon variant.
Genome position (GRCh38, 1-based): chr4:109,848,204, G>A. VCF-style: chr4-109848204-G-A. GRCh37 (hg19) VCF-style: chr4-110769360-G-A.
Other names: short protein forms M1I.
Identifiers: ClinVar variation 1940840 (VCV001940840.6), dbSNP rs1433296202, ClinGen allele CA357869697.

ClinVar aggregate classification (germline): Uncertain significance (1 of 4 stars; one submission).

Allele frequency attached by ClinVar (database versions not stated): TOPMed below 0.00001; gnomAD 0.00001; gnomAD exomes 0.00001.

Submission:

Labcorp Genetics (formerly Invitae), Labcorp
Classification: Uncertain significance. Last evaluated: 2022-02-02. Review status: criteria provided, single submitter. Criteria: Invitae Variant Classification Sherloc (09022015). Collection method: clinical testing. Allele origin: germline.
Comment: Experimental studies and prediction algorithms are not available or were not evaluated, and the functional significance of this variant is currently unknown. In summary, the available evidence is currently insufficient to determine the role of this variant in disease. Therefore, it has been classified as a Variant of Uncertain Significance. Disruption of the initiator codon has been observed in individual(s) with congenital stationary night blindness (PMID: 27428514). This variant is not present in population databases (gnomAD no frequency). This sequence change affects the initiator methionine of the LRIT3 mRNA. The next in-frame methionine is located at codon 46.

Literature cited by the submitters: PubMed 27428514.